The following is an entry in ClinVar:

NM_001244008.2(KIF1A):c.3203-4G>C

Gene: KIF1A (kinesin family member 1A; minus strand). Cytogenetic location: 2q37.3.
Variant type: single nucleotide variant.
Coding change: c.3203-4G>C on transcript NM_001244008.2 (MANE Select); 4 bases into the intron before coding-DNA position 3203, G replaced by C.
Molecular consequence: intron variant.
Genome position (GRCh38, 1-based): chr2:240,745,913, C>G on the plus strand (G>C on the coding strand, the complement: KIF1A is on the minus strand). VCF-style: chr2-240745913-C-G. GRCh37 (hg19) VCF-style: chr2-241685330-C-G.
Other names: c.2900-4G>C (NM_001379653.1, NM_001379650.1, NM_001379641.1 and 5 more transcripts); c.3176-4G>C (NM_001379645.1, NM_001379633.1, NM_001379642.1); c.3002-4G>C (NM_001379635.1, NM_001330290.2, NM_001379646.1 and 1 more transcripts); c.2900-7G>C (NM_001379640.1); c.3152-4G>C (NM_001379632.1); c.2975-4G>C (NM_001379637.1, NM_001379648.1); c.2927-4G>C (NM_001320705.2, NM_001379638.1, NM_001330289.2); c.3278-4G>C (NM_001379631.1).
Identifiers: ClinVar variation 2921686 (VCV002921686.3), dbSNP rs2537292437, ClinGen allele CA2663995195.

ClinVar aggregate classification (germline): Uncertain significance (1 of 4 stars; one submission).

Conditions:
Neuropathy, hereditary sensory, type 2C. Also called: Hereditary sensory and autonomic neuropathy type IIC; KIF1A-Related HSAN2 (HSAN2C). Identifiers: Orphanet 970, MedGen C3280168, MONDO:0013634, OMIM 614213.
Hereditary spastic paraplegia 30. Identifiers: Orphanet 101010, MedGen C5235139, MONDO:0012476.
Intellectual disability, autosomal dominant 9 (NESCAVS). Also called: NESCAV SYNDROME; KIF1A-Related Neurodevelopmental Disorder. Identifiers: Orphanet 662367, MedGen C5393830, MONDO:0013656, OMIM 614255.

Allele frequency attached by ClinVar (database versions not stated): gnomAD exomes below 0.00001.
gnomAD v4.1: 5 of 1,600,314 alleles (0.00031%); highest among the groups gnomAD compares: Non-Finnish European, 0.00043%; no homozygotes.

Submission:

Labcorp Genetics (formerly Invitae), Labcorp
Classification: Uncertain significance for Hereditary spastic paraplegia 30; Neuropathy, hereditary sensory, type 2C; Intellectual disability, autosomal dominant 9. Last evaluated: 2023-12-25. Review status: criteria provided, single submitter. Criteria: Invitae Variant Classification Sherloc (09022015). Collection method: clinical testing. Allele origin: germline.
Comment: This sequence change falls in intron 27 of the KIF1A gene. It does not directly change the encoded amino acid sequence of the KIF1A protein. This variant is not present in population databases (gnomAD no frequency). This variant has not been reported in the literature in individuals affected with KIF1A-related conditions. Algorithms developed to predict the effect of sequence changes on RNA splicing suggest that this variant may create or strengthen a splice site. In summary, the available evidence is currently insufficient to determine the role of this variant in disease. Therefore, it has been classified as a Variant of Uncertain Significance.